The following is an entry in ClinVar:

ClinVar aggregate classification (germline): Likely benign (1 of 4 stars; one submission).

Allele frequency attached by ClinVar (database versions not stated): gnomAD exomes 0.00001; ExAC 0.00002; gnomAD 0.00003; TOPMed 0.00004.
gnomAD v4.1: 44 of 1,612,932 alleles (0.0027%); highest among the groups gnomAD compares: Non-Finnish European, 0.0036%; no homozygotes.

Submission:

GeneDx
Classification: Likely benign. Last evaluated: 2016-03-10. Review status: criteria provided, single submitter. Criteria: GeneDx Variant Classification (06012015). Collection method: clinical testing. Allele origin: germline. Affected: yes.
Comment: This variant is considered likely benign or benign based on one or more of the following criteria: it is a conservative change, it occurs at a poorly conserved position in the protein, it is predicted to be benign by multiple in silico algorithms, and/or has population frequency not consistent with disease.

NM_004722.4(AP4M1):c.-10C>T

Genes: AP4M1 (adaptor related protein complex 4 subunit mu 1; plus strand), LOC129998897 (ATAC-STARR-seq lymphoblastoid active region 26336; plus strand). Cytogenetic location: 7q22.1.
Variant type: single nucleotide variant.
Coding change: c.-10C>T on transcript NM_004722.4 (MANE Select); 10 bases upstream of the start codon, C replaced by T.
Molecular consequence: 5 prime UTR variant.
Genome position (GRCh38, 1-based): chr7:100,101,705, C>T. VCF-style: chr7-100101705-C-T. GRCh37 (hg19) VCF-style: chr7-99699328-C-T.
Other names: c.-10C>T (NM_001363671.2).
Identifiers: ClinVar variation 384128 (VCV000384128.1), dbSNP rs780256851, ClinGen allele CA4374367.